The following is an entry in ClinVar:

ClinVar aggregate classification (germline): Uncertain significance (1 of 4 stars; one submission).

Conditions:
Episodic ataxia type 1 (EA1). Also called: Episodic ataxia/myokymia syndrome; ATAXIA, EPISODIC, WITH MYOKYMIA; MYOKYMIA WITH PERIODIC ATAXIA; PAROXYSMAL ATAXIA WITH NEUROMYOTONIA, HEREDITARY. Identifiers: Orphanet 37612, Orphanet 972, MedGen C1719788, MONDO:0008047, OMIM 160120.

gnomAD v4.1: 2 of 1,612,212 alleles (0.00012%); highest among the groups gnomAD compares: Admixed American, 0.0033%; no homozygotes.

Submission:

Labcorp Genetics (formerly Invitae), Labcorp
Classification: Uncertain significance for Episodic ataxia type 1. Last evaluated: 2025-10-10. Review status: criteria provided, single submitter. Criteria: Invitae Variant Classification Sherloc (09022015). Collection method: clinical testing. Allele origin: germline.
Comment: This sequence change replaces threonine, which is neutral and polar, with arginine, which is basic and polar, at codon 2 of the KCNA1 protein (p.Thr2Arg). This variant is present in population databases (rs762038042, gnomAD 0.006%). This variant has not been reported in the literature in individuals affected with KCNA1-related conditions. Invitae Evidence Modeling of protein sequence and biophysical properties (such as structural, functional, and spatial information, amino acid conservation, physicochemical variation, residue mobility, and thermodynamic stability) indicates that this missense variant is not expected to disrupt KCNA1 protein function with a negative predictive value of 80%. In summary, the available evidence is currently insufficient to determine the role of this variant in disease. Therefore, it has been classified as a Variant of Uncertain Significance.

NM_000217.3(KCNA1):c.5C>G (p.Thr2Arg)

Genes: KCNA1 (potassium voltage-gated channel subfamily A member 1; plus strand), LOC130007218 (ATAC-STARR-seq lymphoblastoid silent region 4155; plus strand). Cytogenetic location: 12p13.32.
Variant type: single nucleotide variant.
Coding change: c.5C>G on transcript NM_000217.3 (MANE Select); coding-DNA position 5, C replaced by G.
Protein change: p.Thr2Arg; replaces threonine 2 with arginine.
Molecular consequence: missense variant.
Genome position (GRCh38, 1-based): chr12:4,911,383, C>G. VCF-style: chr12-4911383-C-G. GRCh37 (hg19) VCF-style: chr12-5020549-C-G.
Other names: short protein forms T2R.
Identifiers: ClinVar variation 4781002 (VCV004781002.1).
Genomic context (GRCh38, chr12:4,911,383, plus strand): 5'-CTGCTTCCCACCCCGGGCTCTCTCCTGGCCTCCCACCCCCGCGCCCGGCTTCCACCATGA[C>G]GGTGATGTCTGGGGAGAACGTGGACGAGGCTTCGGCCGCCCCGGGCCACCCCCAGGATGG-3'
Protein context (NP_000208.2, residues 1-12): M[Thr2Arg]VMSGENVDEA